The following is an entry in ClinVar:

ClinVar aggregate classification (germline): Likely benign. Review status: criteria provided, single submitter (1 of 4 stars). 2 submissions from 2 submitters: Likely benign (1). 1 of the submissions does not count toward it. Last evaluated 2025-05-07.

Conditions:
DYRK1A-related intellectual disability syndrome (MRD7). Also called: Intellectual developmental disorder, autosomal dominant 7; DYRK1A Syndrome. Identifiers: Orphanet 464306, MedGen C5568143, MONDO:0013578, OMIM 614104.
DYRK1A-related disorder.

Allele frequency attached by ClinVar (database versions not stated): gnomAD 0.00001; TOPMed 0.00001; ESP Exome Variant Server 0.00008.
gnomAD v4.1: 7 of 1,581,046 alleles (0.00044%); highest among the groups gnomAD compares: Middle Eastern, 0.017%; no homozygotes.

Submissions (2):

Labcorp Genetics (formerly Invitae), Labcorp
Classification: Likely benign for DYRK1A-related intellectual disability syndrome. Last evaluated: 2025-05-07. Review status: criteria provided, single submitter. Criteria: Invitae Variant Classification Sherloc (09022015). Collection method: clinical testing. Allele origin: germline.

PreventionGenetics, part of Exact Sciences
Classification: Likely benign for DYRK1A-related condition. Last evaluated: 2019-07-10. Review status: no assertion criteria provided. Collection method: clinical testing. Allele origin: germline. Not counted in ClinVar's aggregate classification.
Comment: This variant is classified as likely benign based on ACMG/AMP sequence variant interpretation guidelines (Richards et al. 2015 PMID: 25741868, with internal and published modifications).

NM_001347721.2(DYRK1A):c.925-9A>G

Gene: DYRK1A (dual specificity tyrosine phosphorylation regulated kinase 1A; plus strand). Cytogenetic location: 21q22.13.
Variant type: single nucleotide variant.
Coding change: c.925-9A>G on transcript NM_001347721.2 (MANE Select); 9 bases into the intron before coding-DNA position 925, A replaced by G.
Molecular consequence: intron variant.
Genome position (GRCh38, 1-based): chr21:37,493,008, A>G. VCF-style: chr21-37493008-A-G. GRCh37 (hg19) VCF-style: chr21-38865310-A-G.
Other names: c.952-9A>G (NM_001396.5, NM_101395.2, NM_130438.2 and 1 more transcripts); c.925-9A>G (NM_001347722.2, NM_130436.2); c.838-9A>G (NM_001347723.2).
Identifiers: ClinVar variation 1568492 (VCV001568492.11), dbSNP rs375904128, ClinGen allele CA10023884.